The following is an entry in ClinVar:

ClinVar aggregate classification (germline): Pathogenic (1 of 4 stars; one submission).

Submission:

GeneDx
Classification: Pathogenic. Last evaluated: 2022-04-28. Review status: criteria provided, single submitter. Criteria: GeneDx Variant Classification Process June 2021. Collection method: clinical testing. Allele origin: germline. Affected: yes.
Comment: Nonsense variant predicted to result in protein truncation in a gene for which loss of function is a known mechanism of disease; Identified in a patient with a neurodevelopmental disorder in published literature (Wang et al., 2020); Not observed at significant frequency in large population cohorts (gnomAD); This variant is associated with the following publications: (PMID: 33004838)

NM_001371928.1(AHDC1):c.1493T>A (p.Leu498Ter)

Gene: AHDC1 (AT-hook DNA binding motif containing 1; minus strand). Cytogenetic location: 1p36.11.
Variant type: single nucleotide variant.
Coding change: c.1493T>A on transcript NM_001371928.1 (MANE Select); coding-DNA position 1493, T replaced by A.
Protein change: p.Leu498Ter; replaces leucine 498 with a stop codon.
Molecular consequence: nonsense.
Genome position (GRCh38, 1-based): chr1:27,550,623, A>T on the plus strand (T>A on the coding strand, the complement: AHDC1 is on the minus strand). VCF-style: chr1-27550623-A-T. GRCh37 (hg19) VCF-style: chr1-27877134-A-T.
Other names: c.1493T>A, p.Leu498Ter (NM_001029882.3); short protein forms L498*.
Identifiers: ClinVar variation 1712550 (VCV001712550.2), dbSNP rs2522009301, ClinGen allele CA339233967.